The following is an entry in ClinVar:

ClinVar aggregate classification (germline): Likely benign (1 of 4 stars; one submission).

gnomAD v4.1: 2 of 1,614,068 alleles (0.00012%); highest among the groups gnomAD compares: Non-Finnish European, 0.00017%; no homozygotes.

Submission:

Women's Health and Genetics/Laboratory Corporation of America, LabCorp
Classification: Likely benign. Last evaluated: 2025-06-30. Review status: criteria provided, single submitter. Criteria: LabCorp Variant Classification Summary - May 2015. Collection method: clinical testing. Allele origin: germline.
Comment: Variant summary: COL1A2 c.936+19C>T alters a nucleotide located at a position not widely known to affect splicing. Consensus agreement among computation tools predict no significant impact on normal splicing. However, these predictions have yet to be confirmed by functional studies. The variant was absent in 1613950 control chromosomes. The available data on variant occurrences in the general population are insufficient to allow any conclusion about variant significance. To our knowledge, no occurrence of c.936+19C>T in individuals affected with Ehlers-Danlos syndrome, cardiac valvular type and no experimental evidence demonstrating its impact on protein function have been reported. No submitters have cited clinical-significance assessments for this variant to ClinVar. Based on the evidence outlined above, the variant was classified as likely benign.

NM_000089.4(COL1A2):c.936+19C>T

Gene: COL1A2 (collagen type I alpha 2 chain; plus strand). Cytogenetic location: 7q21.3.
Variant type: single nucleotide variant.
Coding change: c.936+19C>T on transcript NM_000089.4 (MANE Select); 19 bases into the intron after coding-DNA position 936, C replaced by T.
Molecular consequence: intron variant.
Genome position (GRCh38, 1-based): chr7:94,409,627, C>T. VCF-style: chr7-94409627-C-T. GRCh37 (hg19) VCF-style: chr7-94038939-C-T.
Identifiers: ClinVar variation 3907584 (VCV003907584.1).